The following is an entry in ClinVar:

NM_000334.4(SCN4A):c.2575G>A (p.Gly859Arg)

Genes: GH-LCR (growth hormone locus control region; plus strand), SCN4A (sodium voltage-gated channel alpha subunit 4; minus strand). Cytogenetic location: 17q23.3.
Variant type: single nucleotide variant.
Coding change: c.2575G>A on transcript NM_000334.4 (MANE Select); coding-DNA position 2575, G replaced by A.
Protein change: p.Gly859Arg; replaces glycine 859 with arginine.
Molecular consequence: missense variant.
Genome position (GRCh38, 1-based): chr17:63,951,702, C>T on the plus strand (G>A on the coding strand, the complement: SCN4A is on the minus strand). VCF-style: chr17-63951702-C-T. GRCh37 (hg19) VCF-style: chr17-62029062-C-T.
Other names: p.Gly859Arg; short protein forms G859R.
Identifiers: ClinVar variation 2683440 (VCV002683440.5), dbSNP rs749473147, ClinGen allele CA8709560.

ClinVar aggregate classification (germline): Uncertain significance. Review status: criteria provided, multiple submitters, no conflicts (2 of 4 stars). 3 submissions from 3 submitters: Uncertain significance (3). Last evaluated 2025-03-16.

Conditions:
Hyperkalemic periodic paralysis. Also called: Familial hyperkalemic periodic paralysis; Gamstorp disease. Identifiers: Orphanet 682, MedGen C0238357, MONDO:0008224, OMIM 170500, HP:0007215.
Congenital myopathy 22A, classic (CMYO22A). Identifiers: MedGen C5830453, MONDO:0957247, OMIM 620351.
Congenital myopathy 22B, severe fetal (CMYO22B). Identifiers: MedGen C5830501, MONDO:0957265, OMIM 620369.
Congenital myasthenic syndrome 16. Identifiers: Orphanet 590, MedGen C3280112, MONDO:0013620, OMIM 614198.
Hypokalemic periodic paralysis, type 2 (HOKPP2). Identifiers: Orphanet 681, MedGen C2750061, MONDO:0013234, OMIM 613345.
Paramyotonia congenita of Von Eulenburg. Also called: PARALYSIS PERIODICA PARAMYOTONICA; Paramyotonia Congenita; Eulenburg disease; Myotonia congenita intermittens; Von Eulenburg paramyotonia congenita. Identifiers: Orphanet 684, MedGen C0221055, MONDO:0008195, OMIM 168300. Disease mechanism: loss of function.
Potassium-aggravated myotonia. Also called: MYOTONIA CONGENITA, ACETAZOLAMIDE-RESPONSIVE; MYOTONIA CONGENITA, ATYPICAL; SODIUM CHANNEL MUSCLE DISEASE; Myotonia congenita, atypical, acetazolamide-responsive. Identifiers: Orphanet 612, Orphanet 99734, Orphanet 99735, Orphanet 99736, MedGen C2931826, MONDO:0018959, OMIM 608390.

Allele frequency attached by ClinVar (database versions not stated): gnomAD 0.00001; ExAC 0.00002; TOPMed 0.00002.
gnomAD v4.1: 18 of 1,597,364 alleles (0.0011%); highest among the groups gnomAD compares: East Asian, 0.0045%; no homozygotes.

Submissions (3):

Labcorp Genetics (formerly Invitae), Labcorp
Classification: Uncertain significance for Hyperkalemic periodic paralysis. Last evaluated: 2025-03-16. Review status: criteria provided, single submitter. Criteria: Invitae Variant Classification Sherloc (09022015). Collection method: clinical testing. Allele origin: germline.
Comment: This sequence change replaces glycine, which is neutral and non-polar, with arginine, which is basic and polar, at codon 859 of the SCN4A protein (p.Gly859Arg). The frequency data for this variant in the population databases is considered unreliable, as metrics indicate poor data quality at this position in the gnomAD database. This missense change has been observed in individual(s) with sudden infant death syndrome (PMID: 29605429). ClinVar contains an entry for this variant (Variation ID: 2683440). Invitae Evidence Modeling of protein sequence and biophysical properties (such as structural, functional, and spatial information, amino acid conservation, physicochemical variation, residue mobility, and thermodynamic stability) indicates that this missense variant is not expected to disrupt SCN4A protein function with a negative predictive value of 95%. Experimental studies have shown that this missense change does not substantially affect SCN4A function (PMID: 29605429). In summary, the available evidence is currently insufficient to determine the role of this variant in disease. Therefore, it has been classified as a Variant of Uncertain Significance.

Fulgent Genetics
Classification: Uncertain significance for Paramyotonia congenita of Von Eulenburg; Hyperkalemic periodic paralysis; Potassium-aggravated myotonia; Hypokalemic periodic paralysis, type 2; Congenital myasthenic syndrome 16; Congenital myopathy 22A, classic; Congenital myopathy 22B, severe fetal. Last evaluated: 2024-05-03. Review status: criteria provided, single submitter. Criteria: ACMG Guidelines, 2015. Collection method: clinical testing. Allele origin: germline.

Mayo Clinic Laboratories, Mayo Clinic
Classification: Uncertain significance. Last evaluated: 2023-05-22. Review status: criteria provided, single submitter. Criteria: ACMG Guidelines, 2015. Collection method: clinical testing. Allele origin: germline. Observed: 1 variant allele.

Literature cited by the submitters: PubMed 29605429 (cited by Labcorp Genetics (formerly Invitae), Labcorp and Mayo Clinic Laboratories, Mayo Clinic).